The following is an entry in ClinVar:

NM_003803.4(MYOM1):c.2708T>A (p.Val903Asp)

Gene: MYOM1 (myomesin 1; minus strand). Cytogenetic location: 18p11.31.
Variant type: single nucleotide variant.
Coding change: c.2708T>A on transcript NM_003803.4 (MANE Select); coding-DNA position 2708, T replaced by A.
Protein change: p.Val903Asp; replaces valine 903 with aspartic acid.
Molecular consequence: missense variant. On other transcripts: intron variant (1).
Genome position (GRCh38, 1-based): chr18:3,129,318, A>T on the plus strand (T>A on the coding strand, the complement: MYOM1 is on the minus strand). VCF-style: chr18-3129318-A-T. GRCh37 (hg19) VCF-style: chr18-3129316-A-T.
Other names: c.2506+2057T>A (NM_019856.2); short protein forms V903D.
Identifiers: ClinVar variation 4807694 (VCV004807694.1).

ClinVar aggregate classification (germline): Uncertain significance (1 of 4 stars; one submission).

Conditions:
Hypertrophic cardiomyopathy. Also called: HYPERTROPHIC MYOCARDIOPATHY. Identifiers: Orphanet 217569, MedGen C0007194, MeSH D002312, MONDO:0005045, HP:0001639.

Submission:

Labcorp Genetics (formerly Invitae), Labcorp
Classification: Uncertain significance for Hypertrophic cardiomyopathy. Last evaluated: 2025-12-24. Review status: criteria provided, single submitter. Criteria: Invitae Variant Classification Sherloc (09022015). Collection method: clinical testing. Allele origin: germline.
Comment: This sequence change replaces valine, which is neutral and non-polar, with aspartic acid, which is acidic and polar, at codon 903 of the MYOM1 protein (p.Val903Asp). This variant is not present in population databases (gnomAD no frequency). This variant has not been reported in the literature in individuals affected with MYOM1-related conditions. An algorithm developed to predict the effect of missense changes on protein structure and function (PolyPhen-2) suggests that this variant is likely to be tolerated. In summary, the available evidence is currently insufficient to determine the role of this variant in disease. Therefore, it has been classified as a Variant of Uncertain Significance.